The following is an entry in ClinVar:

NM_002335.4(LRP5):c.4352T>G (p.Ile1451Ser)

Gene: LRP5 (LDL receptor related protein 5; plus strand). Cytogenetic location: 11q13.2.
Variant type: single nucleotide variant.
Coding change: c.4352T>G on transcript NM_002335.4 (MANE Select); coding-DNA position 4352, T replaced by G.
Protein change: p.Ile1451Ser; replaces isoleucine 1451 with serine.
Molecular consequence: missense variant.
Genome position (GRCh38, 1-based): chr11:68,439,780, T>G. VCF-style: chr11-68439780-T-G. GRCh37 (hg19) VCF-style: chr11-68207248-T-G.
Other names: c.2609T>G, p.Ile870Ser (NM_001291902.2); short protein forms I1451S, I870S.
Identifiers: ClinVar variation 1315149 (VCV001315149.4), dbSNP rs1176509894, ClinGen allele CA381615964.
Genomic context (GRCh38, chr11:68,439,780, plus strand): 5'-GGGGCGGCTTGGCTGAGCCTGGAAGCCACCTGACCTCCCCCGTCCCTTCCCTGCCAGGCA[T>G]CGCATGCGGAAAGTCCATGATGAGCTCCGTGAGCCTGATGGGGGGCCGGGGCGGGGTGCC-3'
Protein context (NP_002326.2, residues 1441-1461): GGSQHGPFTG[Ile1451Ser]ACGKSMMSSV

ClinVar aggregate classification (germline): Uncertain significance. Review status: criteria provided, multiple submitters, no conflicts (2 of 4 stars). 2 submissions from 2 submitters: Uncertain significance (2). Last evaluated 2024-12-06.

Allele frequency attached by ClinVar (database versions not stated): gnomAD exomes below 0.00001.

Submissions (2):

Labcorp Genetics (formerly Invitae), Labcorp
Classification: Uncertain significance. Last evaluated: 2024-12-06. Review status: criteria provided, single submitter. Criteria: Invitae Variant Classification Sherloc (09022015). Collection method: clinical testing. Allele origin: germline.
Comment: This sequence change replaces isoleucine, which is neutral and non-polar, with serine, which is neutral and polar, at codon 1451 of the LRP5 protein (p.Ile1451Ser). This variant is present in population databases (no rsID available, gnomAD 0.003%). This variant has not been reported in the literature in individuals affected with LRP5-related conditions. ClinVar contains an entry for this variant (Variation ID: 1315149). Invitae Evidence Modeling of protein sequence and biophysical properties (such as structural, functional, and spatial information, amino acid conservation, physicochemical variation, residue mobility, and thermodynamic stability) indicates that this missense variant is not expected to disrupt LRP5 protein function with a negative predictive value of 95%. In summary, the available evidence is currently insufficient to determine the role of this variant in disease. Therefore, it has been classified as a Variant of Uncertain Significance.

GeneDx
Classification: Uncertain significance. Last evaluated: 2020-01-24. Review status: criteria provided, single submitter. Criteria: GeneDx Variant Classification Process June 2021. Collection method: clinical testing. Allele origin: germline. Affected: yes.
Comment: Not observed at a significant frequency in large population cohorts (Lek et al., 2016); In silico analysis, which includes protein predictors and evolutionary conservation, supports that this variant does not alter protein structure/function; Has not been previously published as pathogenic or benign to our knowledge